The following is an entry in ClinVar:

ClinVar aggregate classification (germline): Uncertain significance. Review status: criteria provided, multiple submitters, no conflicts (2 of 4 stars). 2 submissions from 2 submitters: Uncertain significance (2). Last evaluated 2025-11-17.

gnomAD v4.1: 7 of 1,610,228 alleles (0.00043%); highest among the groups gnomAD compares: Admixed American, 0.01%; no homozygotes.

Submissions (2):

Labcorp Genetics (formerly Invitae), Labcorp
Classification: Uncertain significance. Last evaluated: 2025-11-17. Review status: criteria provided, single submitter. Criteria: Invitae Variant Classification Sherloc (09022015). Collection method: clinical testing. Allele origin: germline.
Comment: This sequence change replaces threonine, which is neutral and polar, with isoleucine, which is neutral and non-polar, at codon 171 of the CDHR1 protein (p.Thr171Ile). The frequency data for this variant in the population databases is considered unreliable, as metrics indicate poor data quality at this position in the gnomAD database. This variant has not been reported in the literature in individuals affected with CDHR1-related conditions. ClinVar contains an entry for this variant (Variation ID: 1904080). Invitae Evidence Modeling of protein sequence and biophysical properties (such as structural, functional, and spatial information, amino acid conservation, physicochemical variation, residue mobility, and thermodynamic stability) indicates that this missense variant is not expected to disrupt CDHR1 protein function with a negative predictive value of 80%. In summary, the available evidence is currently insufficient to determine the role of this variant in disease. Therefore, it has been classified as a Variant of Uncertain Significance.

Blueprint Genetics
Classification: Uncertain significance. Last evaluated: 2019-09-21. Review status: criteria provided, single submitter. Criteria: ACMG Guidelines, 2015. Collection method: clinical testing. Allele origin: germline.

NM_033100.4(CDHR1):c.512C>T (p.Thr171Ile)

Gene: CDHR1 (cadherin related family member 1; plus strand). Cytogenetic location: 10q23.1.
Variant type: single nucleotide variant.
Coding change: c.512C>T on transcript NM_033100.4 (MANE Select); coding-DNA position 512, C replaced by T.
Protein change: p.Thr171Ile; replaces threonine 171 with isoleucine.
Molecular consequence: missense variant.
Genome position (GRCh38, 1-based): chr10:84,200,674, C>T. VCF-style: chr10-84200674-C-T. GRCh37 (hg19) VCF-style: chr10-85960430-C-T.
Other names: c.512C>T, p.Thr171Ile (NM_001171971.3); short protein forms T171I.
Identifiers: ClinVar variation 1904080 (VCV001904080.6), dbSNP rs759855253, ClinGen allele CA377371629.